The following is an entry in ClinVar:

NM_001145809.2(MYH14):c.*302G>A

Gene: MYH14 (myosin heavy chain 14; plus strand). Cytogenetic location: 19q13.33.
Variant type: single nucleotide variant.
Coding change: c.*302G>A on transcript NM_001145809.2 (MANE Select); 302 bases downstream of the stop codon, G replaced by A.
Molecular consequence: 3 prime UTR variant.
Genome position (GRCh38, 1-based): chr19:50,310,092, G>A. VCF-style: chr19-50310092-G-A. GRCh37 (hg19) VCF-style: chr19-50813349-G-A.
Other names: c.*302G>A (NM_001077186.2, NM_024729.4).
Identifiers: ClinVar variation 329961 (VCV000329961.5), dbSNP rs544178350, ClinGen allele CA10643150.

ClinVar aggregate classification (germline): Benign (1 of 4 stars; one submission).

Conditions:
Autosomal dominant nonsyndromic hearing loss 4A. Also called: Deafness, autosomal dominant 4A. Identifiers: Orphanet 90635, MedGen C1833503, MONDO:0010915, OMIM 600652.

Allele frequency attached by ClinVar (database versions not stated): gnomAD 0.00004 and 0.00105; TOPMed 0.00011; gnomAD exomes 0.00280; 1000 Genomes Project 30x 0.01015; 1000 Genomes Project 0.01018.
gnomAD v4.1: 1,073 of 493,362 alleles (0.22%); highest among the groups gnomAD compares: South Asian, 2.6%; 21 homozygotes.

Submission:

Illumina Laboratory Services, Illumina
Classification: Benign for Autosomal dominant nonsyndromic hearing loss 4A. Last evaluated: 2018-01-12. Review status: criteria provided, single submitter. Criteria: ICSL Variant Classification Criteria 13 December 2019. Collection method: clinical testing. Allele origin: germline.
Comment: This variant was observed in the ICSL laboratory as part of a predisposition screen in an ostensibly healthy population. It had not been previously curated by ICSL or reported in the Human Gene Mutation Database (HGMD: prior to June 1st, 2018), and was therefore a candidate for classification through an automated scoring system. Utilizing variant allele frequency, disease prevalence and penetrance estimates, and inheritance mode, an automated score was calculated to assess if this variant is too frequent to cause the disease. Based on the score and internal cut-off values, a variant classified as benign is not then subjected to further curation. The score for this variant resulted in a classification of benign for this disease.